The following is an entry in ClinVar:

NM_004946.3(DOCK2):c.1594G>A (p.Val532Met)

Gene: DOCK2 (dedicator of cytokinesis 2; plus strand). Cytogenetic location: 5q35.1.
Variant type: single nucleotide variant.
Coding change: c.1594G>A on transcript NM_004946.3 (MANE Select); coding-DNA position 1594, G replaced by A.
Protein change: p.Val532Met; replaces valine 532 with methionine.
Molecular consequence: missense variant. On other transcripts: non-coding transcript variant (1).
Genome position (GRCh38, 1-based): chr5:169,712,158, G>A. VCF-style: chr5-169712158-G-A. GRCh37 (hg19) VCF-style: chr5-169139162-G-A.
Other names: c.1594G>A, p.Val532Met (LRG_1227t1); short protein forms V532M.
Identifiers: ClinVar variation 450229 (VCV000450229.14), dbSNP rs149411090, ClinGen allele CA3553525.

ClinVar aggregate classification (germline): Conflicting classifications of pathogenicity. Review status: criteria provided, conflicting classifications (1 of 4 stars). 3 submissions from 3 submitters: Uncertain significance (2); Likely benign (1). Last evaluated 2025-08-20.

Conditions:
DOCK2 deficiency. Also called: Immunodeficiency 40. Identifiers: Orphanet 447737, MedGen C4225328, MONDO:0014637, OMIM 616433.

Allele frequency attached by ClinVar (database versions not stated): gnomAD exomes 0.00006 and 0.00018; 1000 Genomes Project 0.00020; ExAC 0.00025; 1000 Genomes Project 30x 0.00047; gnomAD 0.00052 and 0.00058; TOPMed 0.00065; ESP Exome Variant Server 0.00085.
gnomAD v4.1: 161 of 1,614,120 alleles (0.01%); highest among the groups gnomAD compares: African/African-American, 0.21%; no homozygotes.

Submissions (3):

Labcorp Genetics (formerly Invitae), Labcorp
Classification: Likely benign for DOCK2 deficiency. Last evaluated: 2025-08-20. Review status: criteria provided, single submitter. Criteria: Invitae Variant Classification Sherloc (09022015). Collection method: clinical testing. Allele origin: germline.

Blueprint Genetics
Classification: Uncertain significance. Last evaluated: 2022-07-17. Review status: criteria provided, single submitter. Criteria: ACMG Guidelines, 2015. Collection method: clinical testing. Allele origin: germline.

GeneDx
Classification: Uncertain significance. Last evaluated: 2017-06-29. Review status: criteria provided, single submitter. Criteria: GeneDx Variant Classification (06012015). Collection method: clinical testing. Allele origin: germline. Affected: yes.
Comment: The V532M variant in the DOCK2 gene has not been reported previously as a pathogenic variant, nor as a benign variant, to our knowledge. This variant is observed in 29/10406 (0.27%) alleles from individuals of African background, in the ExAC dataset (Lek et al., 2016). The V532M variant is a conservative amino acid substitution, which is not likely to impact secondary protein structure as these residues share similar properties. This substitution occurs at a position where amino acids with similar properties to Valine are tolerated across species. In silico analysis is inconsistent in its predictions as to whether or not the variant is damaging to the protein structure/function. Based on currently available evidence, we interpret V532M as a variant of uncertain significance.